The following is an entry in ClinVar:

ClinVar aggregate classification (germline): Benign. Review status: criteria provided, multiple submitters, no conflicts (2 of 4 stars). 15 submissions from 14 submitters: Benign (13). 2 of the submissions do not count toward it. Last evaluated 2026-02-04.

Conditions:
Hereditary cancer-predisposing syndrome. Also called: Tumor predisposition; Hereditary neoplastic syndrome; Neoplastic Syndromes, Hereditary; Hereditary Cancer Syndrome. Identifiers: Orphanet 140162, MedGen C0027672, MeSH D009386, MONDO:0015356.
Gorlin syndrome. Also called: Nevoid Basal Cell Carcinoma Syndrome; Basal cell nevus syndrome. Identifiers: Orphanet 377, MedGen C0004779, MONDO:0007187.
Holoprosencephaly 7 (HPE7). Identifiers: Orphanet 2162, MedGen C1835820, MONDO:0012562, OMIM 610828.

Allele frequency attached by ClinVar (database versions not stated): gnomAD exomes 0.09916 and 0.10541; ExAC 0.10788; 1000 Genomes Project 0.11162; 1000 Genomes Project 30x 0.11227; gnomAD 0.12296 and 0.12597; TOPMed 0.12342; ESP Exome Variant Server 0.13094.
gnomAD v4.1: 172,357 of 1,613,586 alleles (11%); highest among the groups gnomAD compares: African/African-American, 18%; 9,731 homozygotes.

Submissions (15):

Labcorp Genetics (formerly Invitae), Labcorp
Classification: Benign for Gorlin syndrome. Last evaluated: 2026-02-04. Review status: criteria provided, single submitter. Criteria: Invitae Variant Classification Sherloc (09022015). Collection method: clinical testing. Allele origin: germline.

ARUP Laboratories, Molecular Genetics and Genomics, ARUP Laboratories
Classification: Benign. Last evaluated: 2025-07-21. Review status: criteria provided, single submitter. Criteria: ARUP Molecular Germline Variant Investigation Process 2024. Collection method: clinical testing. Allele origin: germline.

Hereditary Cancer Laboratory, Hospital Universitario 12 de Octubre
Classification: Benign for Hereditary cancer-predisposing syndrome. Last evaluated: 2025-03-25. Review status: criteria provided, single submitter. Criteria: ACMG Guidelines, 2015. Collection method: clinical testing. Allele origin: germline.
Comment: BP7Supporting+BP6Supporting+BP4Supporting+BS2Strong+BA1Very strong

Blueprint Genetics
Classification: Benign. Last evaluated: 2024-11-27. Review status: criteria provided, single submitter. Criteria: ACMG Guidelines, 2015. Collection method: clinical testing. Allele origin: germline.

KCCC/NGS Laboratory, Kuwait Cancer Control Center
Classification: Benign for Basal cell nevus syndrome 1. Last evaluated: 2023-07-07. Review status: criteria provided, single submitter. Criteria: ACMG Guidelines, 2015. Collection method: clinical testing. Allele origin: germline. Affected: yes.

Mayo Clinic Laboratories, Mayo Clinic
Classification: Benign. Last evaluated: 2022-03-03. Review status: criteria provided, single submitter. Criteria: ACMG Guidelines, 2015. Collection method: clinical testing. Allele origin: germline. Observed: 46 variant alleles.

Sema4
Classification: Benign for Hereditary cancer-predisposing syndrome. Last evaluated: 2020-01-30. Review status: criteria provided, single submitter. Criteria: Sema4 Curation Guidelines. Collection method: curation. Allele origin: germline.

Illumina Laboratory Services, Illumina
Classification: Benign for Basal cell nevus syndrome 1. Last evaluated: 2018-01-13. Review status: criteria provided, single submitter. Criteria: ICSL Variant Classification Criteria 13 December 2019. Collection method: clinical testing. Allele origin: germline.
Comment: This variant was observed in the ICSL laboratory as part of a predisposition screen in an ostensibly healthy population. It had not been previously curated by ICSL or reported in the Human Gene Mutation Database (HGMD: prior to June 1st, 2018), and was therefore a candidate for classification through an automated scoring system. Utilizing variant allele frequency, disease prevalence and penetrance estimates, and inheritance mode, an automated score was calculated to assess if this variant is too frequent to cause the disease. Based on the score and internal cut-off values, a variant classified as benign is not then subjected to further curation. The score for this variant resulted in a classification of benign for this disease.

Illumina Laboratory Services, Illumina
Classification: Benign for Holoprosencephaly 7. Last evaluated: 2018-01-13. Review status: criteria provided, single submitter. Criteria: ICSL Variant Classification Criteria 13 December 2019. Collection method: clinical testing. Allele origin: germline.
Comment: the same text as in the submission from Illumina Laboratory Services, Illumina above.

Women's Health and Genetics/Laboratory Corporation of America, LabCorp
Classification: Benign. Last evaluated: 2016-05-24. Review status: criteria provided, single submitter. Criteria: LabCorp Variant Classification Summary - May 2015. Collection method: clinical testing. Allele origin: germline.
Comment: Variant summary: The PTCH1 c.1665T>C (p.Asn555Asn) variant involves the alteration of a non-conserved nucleotide, resulting in a synonymous change. One in silico tool predicts a polymorphism outcome for this variant. 5/5 splice prediction tools predict no significant impact on normal splicing. ESE finder predicts that this variant may affect ESE site of SRp55. This variant was found in 12470/115592 control chromosomes (719 homozygotes) at a frequency of 0.1078794, which is approximately 6295 times the estimated maximal allele frequency of a pathogenic PTCH1 variant (0.0000171), suggesting this variant is a benign polymorphism. This variant has been reported in multiple affected individuals in co-occurrence with different pathogenic variants (Pastorino_Human_Mutation_2005), further supporting the benign classification. In addition, another clinical diagnostic laboratory classified this variant as benign. Taken together, this variant is classified as benign.

Ambry Genetics
Classification: Benign for Hereditary cancer-predisposing syndrome. Last evaluated: 2014-12-04. Review status: criteria provided, single submitter. Criteria: Ambry Variant Classification Scheme 2023. Collection method: clinical testing. Allele origin: germline.

Breakthrough Genomics
Classification: Benign. Review status: criteria provided, single submitter. Criteria: ACMG Guidelines, 2015. Collection method: not provided. Allele origin: germline. Inheritance: Autosomal dominant inheritance. Affected: yes.

PreventionGenetics, part of Exact Sciences
Classification: Benign. Review status: criteria provided, single submitter. Criteria: ACMG Guidelines, 2015. Collection method: clinical testing. Allele origin: germline.

Genome Diagnostics Laboratory, University Medical Center Utrecht
Classification: Benign. Review status: no assertion criteria provided. Collection method: clinical testing. Allele origin: germline. Affected: yes. Study: VKGL Data-share Consensus. Not counted in ClinVar's aggregate classification.

Joint Genome Diagnostic Labs from Nijmegen and Maastricht, Radboudumc and MUMC+
Classification: Benign. Review status: no assertion criteria provided. Collection method: clinical testing. Allele origin: germline. Affected: yes. Study: VKGL Data-share Consensus. Not counted in ClinVar's aggregate classification.

Literature cited by the submitters: PubMed 15712338 (cited by Women's Health and Genetics/Laboratory Corporation of America, LabCorp).

NM_000264.5(PTCH1):c.1665T>C (p.Asn555=)

Gene: PTCH1 (patched 1; minus strand). Cytogenetic location: 9q22.32.
Variant type: single nucleotide variant.
Coding change: c.1665T>C on transcript NM_000264.5 (MANE Select); coding-DNA position 1665, T replaced by C.
Protein change: p.Asn555=; no amino-acid change (asparagine 555 retained).
Molecular consequence: synonymous variant. On other transcripts: non-coding transcript variant (1).
Genome position (GRCh38, 1-based): chr9:95,476,097, A>G on the plus strand (T>C on the coding strand, the complement: PTCH1 is on the minus strand). VCF-style: chr9-95476097-A-G. GRCh37 (hg19) VCF-style: chr9-98238379-A-G.
Other names: p.Asn555=; c.1467T>C, p.Asn489= (NM_001083602.3); c.1662T>C, p.Asn554= (NM_001083603.3); c.1212T>C, p.Asn404= (NM_001083604.3, NM_001083605.3, NM_001083606.3 and 1 more transcripts); c.1509T>C, p.Asn503= (NM_001354918.2).
Identifiers: ClinVar variation 138834 (VCV000138834.41), dbSNP rs1805155, ClinGen allele CA292963.